The following is an entry in ClinVar:

NM_001754.5(RUNX1):c.*68G>T

Gene: RUNX1 (RUNX family transcription factor 1; minus strand). Cytogenetic location: 21q22.12.
Variant type: single nucleotide variant.
Coding change: c.*68G>T on transcript NM_001754.5 (MANE Select); 68 bases downstream of the stop codon, G replaced by T.
Molecular consequence: 3 prime UTR variant.
Genome position (GRCh38, 1-based): chr21:34,792,067, C>A on the plus strand (G>T on the coding strand, the complement: RUNX1 is on the minus strand). VCF-style: chr21-34792067-C-A. GRCh37 (hg19) VCF-style: chr21-36164364-C-A.
Other names: c.*68G>T (NM_001001890.3).
Identifiers: ClinVar variation 339873 (VCV000339873.6), dbSNP rs886057046, ClinGen allele CA10653576.
Genomic context (GRCh38, chr21:34,792,067, plus strand): 5'-CCTCGGCCCCAGGACGGTGGCCGGGCCCAGGGCCCGGGATCCCGGCGGGCTTGTCGCGAA[C>A]AGGAGGCCCGCGCGCCCGGAGGCGAAGGCGGCGGCCCGCGGGGCCCAGCCGGGCCAGGCC-3'

ClinVar aggregate classification (germline): Likely benign. Review status: reviewed by expert panel (3 of 4 stars). 2 submissions from 2 submitters: Likely benign (1). 1 of the submissions does not count toward it. Last evaluated 2022-07-05.

Conditions:
Hereditary thrombocytopenia and hematologic cancer predisposition syndrome. Identifiers: Orphanet 71290, MedGen CN281654, MONDO:0011071.
Hereditary thrombocytopenia and hematological cancer predisposition syndrome associated with RUNX1. Also called: PLATELET DISORDER, ASPIRIN-LIKE; RUNX1 Familial Platelet Disorder with Associated Myeloid Malignancies; Familial Platelet Disorder with Propensity to Acute Myelogenous Leukemia; Familial thrombocytopenia with propensity to acute myelogenous leukemia. Identifiers: Orphanet 71290, MedGen C1832388, MeSH C563324, MONDO:0100083, OMIM 601399.

Allele frequency attached by ClinVar (database versions not stated): TOPMed 0.00002; gnomAD 0.00003; gnomAD exomes 0.00004 and 0.00016.
gnomAD v4.1: 41 of 1,040,114 alleles (0.0039%); highest among the groups gnomAD compares: Non-Finnish European, 0.0052%; no homozygotes.

Submissions (2):

ClinGen Myeloid Malignancy Variant Curation Expert Panel
Classification: Likely benign for Hereditary thrombocytopenia and hematologic cancer predisposition syndrome. Last evaluated: 2022-07-05. Review status: reviewed by expert panel. Criteria: ClinGen MyeloMalig ACMG Specifications v2. Collection method: curation. Allele origin: germline. Inheritance: Autosomal dominant inheritance.
Comment: The c.*68G>T (NM_001754.5) variant is a substitution in the 3'UTR of RUNX1. Because the variant is located in the 3'UTR, it is not expected to alter the amino acid sequence. The highest population minor allele frequency in gnomAD v2 is 0.02214% (5/22584 alleles) in the non-Finnish European population, which is higher than the ClinGen Myeloid Malignancy VCEP's threshold of 0.015% (BS1). In summary, this variant is classified as likely benign for hereditary thrombocytopenia and hematologic cancer predisposition syndrome based on the ACMG/AMP criteria, as specified by the ClinGen Myeloid Malignancy VCEP: BS1.

Illumina Laboratory Services, Illumina
Classification: Uncertain significance for Hereditary thrombocytopenia and hematological cancer predisposition syndrome associated with RUNX1. Last evaluated: 2018-01-13. Review status: criteria provided, single submitter. Criteria: ICSL Variant Classification Criteria 13 December 2019. Collection method: clinical testing. Allele origin: germline. Not counted in ClinVar's aggregate classification.